The following is an entry in ClinVar:

NM_001252024.2(TRPM1):c.3487C>T (p.Arg1163Cys)

Genes: TRPM1 (transient receptor potential cation channel subfamily M member 1; minus strand), TRPM1-AS1 (TRPM1 antisense RNA 1; plus strand), LOC126862088 (BRD4-independent group 4 enhancer GRCh37_chr15:31318084-31319283; plus strand). Cytogenetic location: 15q13.3.
Variant type: single nucleotide variant.
Coding change: c.3487C>T on transcript NM_001252024.2 (MANE Select); coding-DNA position 3487, C replaced by T.
Protein change: p.Arg1163Cys; replaces arginine 1163 with cysteine.
Molecular consequence: missense variant.
Genome position (GRCh38, 1-based): chr15:31,026,924, G>A on the plus strand (C>T on the coding strand, the complement: TRPM1 is on the minus strand). VCF-style: chr15-31026924-G-A. GRCh37 (hg19) VCF-style: chr15-31319127-G-A.
Other names: c.3538C>T, p.Arg1180Cys (NM_001252020.2); c.3421C>T, p.Arg1141Cys (NM_002420.6); c.3421C>T (NM_002420.4); short protein forms R1180C, R1141C, R1163C.
Identifiers: ClinVar variation 1497594 (VCV001497594.7), dbSNP rs763463725, ClinGen allele CA7451874.

ClinVar aggregate classification (germline): Uncertain significance. Review status: criteria provided, multiple submitters, no conflicts (2 of 4 stars). 3 submissions from 3 submitters: Uncertain significance (3). Last evaluated 2024-11-15.

Conditions:
Inborn genetic diseases. Identifiers: MedGen C0950123, MeSH D030342.

Allele frequency attached by ClinVar (database versions not stated): ExAC 0.00007.

Submissions (3):

Ambry Genetics
Classification: Uncertain significance for Inborn genetic diseases. Last evaluated: 2024-11-15. Review status: criteria provided, single submitter. Criteria: Ambry Variant Classification Scheme 2023. Collection method: clinical testing. Allele origin: germline.

Blueprint Genetics
Classification: Uncertain significance. Last evaluated: 2023-05-04. Review status: criteria provided, single submitter. Criteria: ACMG Guidelines, 2015. Collection method: clinical testing. Allele origin: germline.

Labcorp Genetics (formerly Invitae), Labcorp
Classification: Uncertain significance. Last evaluated: 2022-05-01. Review status: criteria provided, single submitter. Criteria: Invitae Variant Classification Sherloc (09022015). Collection method: clinical testing. Allele origin: germline.
Comment: In summary, the available evidence is currently insufficient to determine the role of this variant in disease. Therefore, it has been classified as a Variant of Uncertain Significance. Algorithms developed to predict the effect of missense changes on protein structure and function are either unavailable or do not agree on the potential impact of this missense change (SIFT: "Deleterious"; PolyPhen-2: "Possibly Damaging"; Align-GVGD: "Class C15"). This variant has not been reported in the literature in individuals affected with TRPM1-related conditions. This variant is present in population databases (rs763463725, gnomAD 0.01%). This sequence change replaces arginine, which is basic and polar, with cysteine, which is neutral and slightly polar, at codon 1141 of the TRPM1 protein (p.Arg1141Cys).